The following is an entry in ClinVar:

ClinVar aggregate classification (germline): Pathogenic (1 of 4 stars; one submission).

Conditions:
Tuberous sclerosis 1 (TSC1). Identifiers: Orphanet 805, MedGen C1854465, MONDO:0008612, OMIM 191100.

Submission:

Labcorp Genetics (formerly Invitae), Labcorp
Classification: Pathogenic for Tuberous sclerosis 1. Last evaluated: 2022-11-23. Review status: criteria provided, single submitter. Criteria: Invitae Variant Classification Sherloc (09022015). Collection method: clinical testing. Allele origin: germline.
Comment: For these reasons, this variant has been classified as Pathogenic. This variant has not been reported in the literature in individuals affected with TSC1-related conditions. This variant is not present in population databases (gnomAD no frequency). This sequence change creates a premature translational stop signal (p.Glu825Alafs*13) in the TSC1 gene. It is expected to result in an absent or disrupted protein product. Loss-of-function variants in TSC1 are known to be pathogenic (PMID: 10227394, 17304050).

Literature cited by the submitters: PubMed 10227394; PubMed 17304050.

NM_000368.5(TSC1):c.2474_2478del (p.Glu825fs)

Gene: TSC1 (TSC complex subunit 1; minus strand). Cytogenetic location: 9q34.13.
Variant type: Deletion.
Coding change: c.2474_2478del on transcript NM_000368.5 (MANE Select); coding-DNA positions 2474 to 2478, 5 bases deleted (AGCTG; older notation c.2474_2478delAGCTG).
Protein change: p.Glu825fs; shifts the reading frame from glutamic acid 825.
Molecular consequence: frameshift variant. On other transcripts: non-coding transcript variant (5), intron variant (8).
Genome position (GRCh38, 1-based): chr9:132,901,613-132,901,617, CAGCT deleted on the plus strand (AGCTG on the coding strand, the reverse complement: TSC1 is on the minus strand); deleting any 5 consecutive bases within chr9:132,901,613-132,901,620 gives the same sequence; the c. name uses the placement nearest the transcript's 3' end. VCF-style (leftmost placement, unchanged base first): chr9-132901612-GCAGCT-G. GRCh37 (hg19) VCF-style: chr9-135776999-GCAGCT-G.
Other names: c.2111_2115del, p.Glu704fs (NM_001406614.1, NM_001406615.1, NM_001406616.1 and 4 more transcripts); c.2108_2112del, p.Glu703fs (NM_001406620.1, NM_001406621.1, NM_001406622.1 and 1 more transcripts); c.1523_1527del, p.Glu508fs (NM_001406626.1); c.1520_1524del, p.Glu507fs (NM_001406627.1, NM_001406628.1); c.1421_1425del, p.Glu474fs (NM_001406629.1, NM_001406630.1); c.2460+14_2460+18del (NM_001406607.1, NM_001406605.1, NM_001406606.1); c.2457+14_2457+18del (NM_001406608.1, NM_001406609.1); c.2097+14_2097+18del (NM_001406624.1); and 8 more; short protein forms E773fs, E820fs, E704fs, E474fs, E508fs, E774fs, E819fs, E824fs.
Identifiers: ClinVar variation 2816133 (VCV002816133.3), dbSNP rs2538572119, ClinGen allele CA2739265168.